The following is an entry in ClinVar:

ClinVar aggregate classification (germline): Uncertain significance. Review status: criteria provided, multiple submitters, no conflicts (2 of 4 stars). 3 submissions from 3 submitters: Uncertain significance (3). Last evaluated 2024-03-12.

Conditions:
Bardet-Biedl syndrome 1 (BBS1). Identifiers: MedGen C2936862, MONDO:0008854, OMIM 209900. Disease mechanism: loss of function.
Bardet-Biedl syndrome (BBS). Identifiers: Orphanet 110, MedGen C0752166, MONDO:0015229.

Allele frequency attached by ClinVar (database versions not stated): ExAC 0.00001; gnomAD 0.00003; TOPMed 0.00001.
gnomAD v4.1: 11 of 1,610,628 alleles (0.00068%); highest among the groups gnomAD compares: African/African-American, 0.008%; no homozygotes.

Submissions (3):

Blueprint Genetics
Classification: Uncertain significance. Last evaluated: 2024-03-12. Review status: criteria provided, single submitter. Criteria: ACMG Guidelines, 2015. Collection method: clinical testing. Allele origin: germline.

Labcorp Genetics (formerly Invitae), Labcorp
Classification: Uncertain significance for Bardet-Biedl syndrome. Last evaluated: 2022-05-28. Review status: criteria provided, single submitter. Criteria: Invitae Variant Classification Sherloc (09022015). Collection method: clinical testing. Allele origin: germline.
Comment: This sequence change replaces arginine, which is basic and polar, with histidine, which is basic and polar, at codon 460 of the BBS1 protein (p.Arg460His). The frequency data for this variant in the population databases is considered unreliable, as metrics indicate poor data quality at this position in the gnomAD database. This variant has not been reported in the literature in individuals affected with BBS1-related conditions. Algorithms developed to predict the effect of missense changes on protein structure and function are either unavailable or do not agree on the potential impact of this missense change (SIFT: "Deleterious"; PolyPhen-2: "Benign"; Align-GVGD: "Class C0"). In summary, the available evidence is currently insufficient to determine the role of this variant in disease. Therefore, it has been classified as a Variant of Uncertain Significance.

Juno Genomics, Hangzhou Juno Genomics, Inc
Classification: Uncertain significance for Bardet-Biedl syndrome 1. Review status: criteria provided, single submitter. Criteria: ACMG Guidelines, 2015. Collection method: clinical testing. Allele origin: germline.
Comment: Absent from controls (or at extremely low frequency if recessive) in Genome Aggregation Database.;Multiple lines of computational evidence support a deleterious effect on the gene or gene product.

NM_024649.5(BBS1):c.1379G>A (p.Arg460His)

Genes: BBS1 (Bardet-Biedl syndrome 1; plus strand), ZDHHC24 (zDHHC palmitoyltransferase 24; minus strand). Cytogenetic location: 11q13.2.
Variant type: single nucleotide variant.
Coding change: c.1379G>A on transcript NM_024649.5 (MANE Select); coding-DNA position 1379, G replaced by A.
Protein change: p.Arg460His; replaces arginine 460 with histidine.
Molecular consequence: missense variant. On other transcripts: intron variant (1).
Genome position (GRCh38, 1-based): chr11:66,529,858, G>A. VCF-style: chr11-66529858-G-A. GRCh37 (hg19) VCF-style: chr11-66297329-G-A.
Other names: c.560-370C>T (NM_001348571.2); short protein forms R460H.
Identifiers: ClinVar variation 2194947 (VCV002194947.4), dbSNP rs769434877, ClinGen allele CA6123750.